The following is an entry in ClinVar:

ClinVar aggregate classification (germline): Uncertain significance. Review status: criteria provided, multiple submitters, no conflicts (2 of 4 stars). 2 submissions from 2 submitters: Uncertain significance (2). Last evaluated 2026-05-06.

Conditions:
TSPEAR-related disorder. Also called: TSPEAR-related condition.

Allele frequency attached by ClinVar (database versions not stated): ExAC 0.00002; gnomAD exomes 0.00003 and 0.00004; TOPMed 0.00005; gnomAD 0.00010 and 0.00012; 1000 Genomes Project 30x 0.00031; 1000 Genomes Project 0.00040.
gnomAD v4.1: 78 of 1,614,172 alleles (0.0048%); highest among the groups gnomAD compares: African/African-American, 0.029%; 1 homozygote.

Submissions (2):

PreventionGenetics, part of Exact Sciences
Classification: Uncertain significance for TSPEAR-related condition. Last evaluated: 2026-05-06. Review status: criteria provided, single submitter. Criteria: ACMG Guidelines, 2015. Collection method: clinical testing. Allele origin: germline.
Comment: The TSPEAR c.1084G>A variant is predicted to result in the amino acid substitution p.Val362Ile. To our knowledge, this variant has not been reported in the literature in a patient with a TSPEAR related disorder. This variant is reported in 0.012% of alleles in individuals of African descent in gnomAD. Although we suspect that this variant may be benign, at this time, the clinical significance of this variant is uncertain due to the absence of conclusive functional and genetic evidence.

Labcorp Genetics (formerly Invitae), Labcorp
Classification: Uncertain significance. Last evaluated: 2023-09-06. Review status: criteria provided, single submitter. Criteria: Invitae Variant Classification Sherloc (09022015). Collection method: clinical testing. Allele origin: germline.
Comment: In summary, the available evidence is currently insufficient to determine the role of this variant in disease. Therefore, it has been classified as a Variant of Uncertain Significance. Advanced modeling of protein sequence and biophysical properties (such as structural, functional, and spatial information, amino acid conservation, physicochemical variation, residue mobility, and thermodynamic stability) performed at Invitae indicates that this missense variant is not expected to disrupt TSPEAR protein function. ClinVar contains an entry for this variant (Variation ID: 1509472). This variant has not been reported in the literature in individuals affected with TSPEAR-related conditions. This variant is present in population databases (rs113059777, gnomAD 0.01%). This sequence change replaces valine, which is neutral and non-polar, with isoleucine, which is neutral and non-polar, at codon 362 of the TSPEAR protein (p.Val362Ile).

NM_144991.3(TSPEAR):c.1084G>A (p.Val362Ile)

Gene: TSPEAR (thrombospondin type laminin G domain and EAR repeats; minus strand). Cytogenetic location: 21q22.3.
Variant type: single nucleotide variant.
Coding change: c.1084G>A on transcript NM_144991.3 (MANE Select); coding-DNA position 1084, G replaced by A.
Protein change: p.Val362Ile; replaces valine 362 with isoleucine.
Molecular consequence: missense variant.
Genome position (GRCh38, 1-based): chr21:44,527,357, C>T on the plus strand (G>A on the coding strand, the complement: TSPEAR is on the minus strand). VCF-style: chr21-44527357-C-T. GRCh37 (hg19) VCF-style: chr21-45947240-C-T.
Other names: c.880G>A, p.Val294Ile (NM_001272037.2); c.1084G>A (NM_144991.2); short protein forms V294I, V362I.
Identifiers: ClinVar variation 1509472 (VCV001509472.7), dbSNP rs113059777, ClinGen allele CA10056733.
Genomic context (GRCh38, chr21:44,527,357, plus strand): 5'-TCCCGATGGTGAAATGCCTCCAGGCCTGTGCTTGGTGCGTGGGGATGTTCTGATATGAGA[C>T]GAACTTCTCTTCGGTCCACTTGTAGACGGCGGATGTGGCTTTGCGATTGGCTGTGGCCAC-3'
Protein context (NP_659428.2, residues 352-372): AVYKWTEEKF[Val362Ile]SYQNIPTHQA